The following is an entry in ClinVar:

ClinVar aggregate classification (germline): Uncertain significance (1 of 4 stars; one submission).

Conditions:
Familial thoracic aortic aneurysm and aortic dissection (TAAD). Also called: Thoracic aortic aneurysms and dissections. Identifiers: Orphanet 91387, MedGen C4707243, MONDO:0019625.

Submission:

Color Diagnostics, LLC DBA Color Health
Classification: Uncertain significance for Familial thoracic aortic aneurysm and aortic dissection. Last evaluated: 2020-12-21. Review status: criteria provided, single submitter. Criteria: ACMG Guidelines, 2015. Collection method: clinical testing. Allele origin: germline.
Comment: This variant causes an in-frame duplication of two amino acids in the MYH11 protein. To our knowledge, functional studies have not been reported for this variant. This variant has not been reported in individuals affected with cardiovascular disorders in the literature. This variant has been identified in 1/251360 chromosomes in the general population by the Genome Aggregation Database (gnomAD). The available evidence is insufficient to determine the role of this variant in disease conclusively. Therefore, this variant is classified as a Variant of Uncertain Significance.

NM_002474.3(MYH11):c.5438_5443dup (p.Ser1814_Thr1815insLysSer)

Genes: MYH11 (myosin heavy chain 11; minus strand), NDE1 (nudE neurodevelopment protein 1; plus strand). Cytogenetic location: 16p13.11.
Variant type: Duplication.
Coding change: c.5438_5443dup on transcript NM_002474.3 (MANE Select); coding-DNA positions 5438 to 5443, 6 bases duplicated (AGTCCA; older notation c.5438_5443dupAGTCCA).
Protein change: p.Ser1814_Thr1815insLysSer.
Molecular consequence: inframe insertion. On other transcripts: intron variant (2).
Genome position (GRCh38, 1-based): chr16:15,717,201-15,717,206, TGGACT duplicated on the plus strand (AGTCCA on the coding strand, the reverse complement: MYH11 is on the minus strand); duplicating any 6 consecutive bases within chr16:15,717,201-15,717,208 gives the same sequence; the c. name uses the placement nearest the transcript's 3' end. VCF-style (leftmost placement, unchanged base first): chr16-15717200-G-GTGGACT. GRCh37 (hg19) VCF-style: chr16-15811057-G-GTGGACT.
Other names: c.5459_5464dup, p.Ser1821_Thr1822insLysSer (NM_001040113.2, NM_001040114.2); c.5438_5443dup, p.Ser1814_Thr1815insLysSer (NM_022844.3); c.948-6988_948-6983dup (NM_001143979.2, NM_017668.3).
Identifiers: ClinVar variation 1171641 (VCV001171641.2), dbSNP rs1567687613, ClinGen allele CA621181127.
Genomic context (GRCh38, chr16:15,717,200, plus strand): 5'-CTGGCCTCCTGCTCGACCTGCTCCTCCAGCTGTGCAATCTTGGCCTCCAGCGCCGCGATG[G>GTGGACT]TGGACTTGAACTTGGACTTGACGGCCCCCTCCATCTCGTGGAGCTTGCTCCGGAGCTCCT-3'